The following is an entry in ClinVar:

ClinVar aggregate classification (germline): Uncertain significance (1 of 4 stars; one submission).

Submission:

Labcorp Genetics (formerly Invitae), Labcorp
Classification: Uncertain significance. Last evaluated: 2021-12-21. Review status: criteria provided, single submitter. Criteria: Invitae Variant Classification Sherloc (09022015). Collection method: clinical testing. Allele origin: germline.
Comment: In summary, the available evidence is currently insufficient to determine the role of this variant in disease. Therefore, it has been classified as a Variant of Uncertain Significance. This variant has not been reported in the literature in individuals affected with ADAMTS17-related conditions. This variant results in a copy number gain of the genomic region encompassing exon(s) 1-18 of the ADAMTS17 gene. This region includes the initiator codon of the gene. This copy number gain extends beyond the assayed region for this gene and therefore may encompass additional genes. As the precise location of this event is unknown, it may be in tandem or it may be located elsewhere in the genome.

NC_000015.9:g.(?_100589042)_(100943090_?)dup

Genes: ADAMTS17 (ADAM metallopeptidase with thrombospondin type 1 motif 17; minus strand), CERS3 (ceramide synthase 3; minus strand). Cytogenetic location: 15q26.3.
Variant type: Duplication.
Identifiers: ClinVar variation 2427277 (VCV002427277.4).